The following is an entry in ClinVar:

NM_007194.4(CHEK2):c.634T>A (p.Tyr212Asn)

Gene: CHEK2 (checkpoint kinase 2; minus strand). Cytogenetic location: 22q12.1.
Variant type: single nucleotide variant.
Coding change: c.634T>A on transcript NM_007194.4 (MANE Select); coding-DNA position 634, T replaced by A.
Protein change: p.Tyr212Asn; replaces tyrosine 212 with asparagine.
Molecular consequence: missense variant. On other transcripts: 5 prime UTR variant (2), intron variant (1).
Genome position (GRCh38, 1-based): chr22:28,719,444, A>T on the plus strand (T>A on the coding strand, the complement: CHEK2 is on the minus strand). VCF-style: chr22-28719444-A-T. GRCh37 (hg19) VCF-style: chr22-29115432-A-T.
Other names: c.763T>A, p.Tyr255Asn (NM_001005735.3, NM_001438294.1); c.-30T>A (NM_001257387.3, NM_001437942.1); c.727T>A, p.Tyr243Asn (NM_001438293.1, NM_001438295.1); c.634T>A, p.Tyr212Asn (NM_145862.3); c.482+5442T>A (NM_001349956.3); short protein forms Y255N, Y212N, Y243N.
Identifiers: ClinVar variation 3663608 (VCV003663608.2).
Genomic context (GRCh38, chr22:28,719,444, plus strand): 5'-AAATAATTTACCTTCCAAGAGTTTTTGACATGATGTATTCATCTCTTAATGCCTTAGGAT[A>T]AACTGACTGATCATCTACAGTCAGATCAAAAAAGACAAAAACTAAGGAAGAAAAGAGTAG-3'
Protein context (NP_009125.1, residues 202-222): FDLTVDDQSV[Tyr212Asn]PKALRDEYIM

ClinVar aggregate classification (germline): Uncertain significance (1 of 4 stars; one submission).

Conditions:
Familial cancer of breast. Also called: Hereditary breast cancer; hereditary breast carcinoma; BREAST CANCER, FAMILIAL. Identifiers: Orphanet 227535, MedGen C0346153, MONDO:0016419, OMIM 114480. Disease mechanism: loss of function.

Submission:

Labcorp Genetics (formerly Invitae), Labcorp
Classification: Uncertain significance for Familial cancer of breast. Last evaluated: 2024-08-28. Review status: criteria provided, single submitter. Criteria: Invitae Variant Classification Sherloc (09022015). Collection method: clinical testing. Allele origin: germline.
Comment: This sequence change replaces tyrosine, which is neutral and polar, with asparagine, which is neutral and polar, at codon 212 of the CHEK2 protein (p.Tyr212Asn). This variant is not present in population databases (gnomAD no frequency). This variant has not been reported in the literature in individuals affected with CHEK2-related conditions. An algorithm developed to predict the effect of missense changes on protein structure and function (PolyPhen-2) suggests that this variant is likely to be tolerated. In summary, the available evidence is currently insufficient to determine the role of this variant in disease. Therefore, it has been classified as a Variant of Uncertain Significance.